The following is an entry in ClinVar:

ClinVar aggregate classification (germline): Likely benign. Review status: criteria provided, multiple submitters, no conflicts (2 of 4 stars). 3 submissions from 3 submitters: Likely benign (2). 1 of the submissions does not count toward it. Last evaluated 2025-10-02.

Conditions:
SQSTM1-related disorder. Also called: SQSTM1-Related Disorders.
Paget disease of bone 2, early-onset (PDB2). Also called: Paget disease of bone 2. Identifiers: MedGen C4085251, MONDO:0011183, OMIM 602080.
Frontotemporal dementia and/or amyotrophic lateral sclerosis 1 (FTDALS1). Also called: Frontotemporal dementia with motor neuron disease 1; C9orf72 Frontotemporal Dementia and/or Amyotrophic Lateral Sclerosis. Identifiers: Orphanet 275872, MedGen C5779877, MONDO:0007105, OMIM 105550.

Allele frequency attached by ClinVar (database versions not stated): gnomAD 0.00001; TOPMed 0.00001; ExAC 0.00002; gnomAD exomes 0.00002 and 0.00003.

Submissions (3):

Labcorp Genetics (formerly Invitae), Labcorp
Classification: Likely benign for Paget disease of bone 2, early-onset; Frontotemporal dementia and/or amyotrophic lateral sclerosis 1. Last evaluated: 2025-10-02. Review status: criteria provided, single submitter. Criteria: Invitae Variant Classification Sherloc (09022015). Collection method: clinical testing. Allele origin: germline.

CeGaT Center for Human Genetics Tuebingen
Classification: Likely benign. Last evaluated: 2022-05-01. Review status: criteria provided, single submitter. Criteria: CeGaT Center For Human Genetics Tuebingen Variant Classification Criteria Version 2. Collection method: clinical testing. Allele origin: germline. Affected: yes. Observed: 1 variant allele.
Comment: SQSTM1: BP4, BP7

PreventionGenetics, part of Exact Sciences
Classification: Likely benign for SQSTM1-related condition. Last evaluated: 2023-11-27. Review status: no assertion criteria provided. Collection method: clinical testing. Allele origin: germline. Not counted in ClinVar's aggregate classification.
Comment: This variant is classified as likely benign based on ACMG/AMP sequence variant interpretation guidelines (Richards et al. 2015 PMID: 25741868, with internal and published modifications).

NM_003900.5(SQSTM1):c.384C>T (p.Cys128=)

Gene: SQSTM1 (sequestosome 1; plus strand). Cytogenetic location: 5q35.3.
Variant type: single nucleotide variant.
Coding change: c.384C>T on transcript NM_003900.5 (MANE Select); coding-DNA position 384, C replaced by T.
Protein change: p.Cys128=; no amino-acid change (cysteine 128 retained).
Molecular consequence: synonymous variant.
Genome position (GRCh38, 1-based): chr5:179,823,940, C>T. VCF-style: chr5-179823940-C-T. GRCh37 (hg19) VCF-style: chr5-179250940-C-T.
Other names: c.132C>T, p.Cys44= (NM_001142298.2, NM_001142299.2); c.384C>T (NM_003900.4).
Identifiers: ClinVar variation 1137335 (VCV001137335.33), dbSNP rs768088721, ClinGen allele CA3600494.